The following is an entry in ClinVar:

ClinVar aggregate classification (germline): Pathogenic (1 of 4 stars; one submission).

Conditions:
Cerebral cavernous malformation 3. Also called: Familial Cerebral Cavernous Malformation 3. Identifiers: Orphanet 221061, MedGen C1864040, MONDO:0011305, OMIM 603285.

Submission:

Labcorp Genetics (formerly Invitae), Labcorp
Classification: Pathogenic for Cerebral cavernous malformation 3. Last evaluated: 2025-08-18. Review status: criteria provided, single submitter. Criteria: Invitae Variant Classification Sherloc (09022015). Collection method: clinical testing. Allele origin: germline.
Comment: This sequence change creates a premature translational stop signal (p.Thr144Lysfs*2) in the PDCD10 gene. It is expected to result in an absent or disrupted protein product. Loss-of-function variants in PDCD10 are known to be pathogenic (PMID: 15543491, 18300272, 23801932). This variant is not present in population databases (gnomAD no frequency). This variant has not been reported in the literature in individuals affected with PDCD10-related conditions. For these reasons, this variant has been classified as Pathogenic.

Literature cited by the submitters: PubMed 15543491; PubMed 18300272; PubMed 23801932.

NM_007217.4(PDCD10):c.431del (p.Thr144fs)

Gene: PDCD10 (programmed cell death 10; minus strand). Cytogenetic location: 3q26.1.
Variant type: Deletion.
Coding change: c.431del on transcript NM_007217.4 (MANE Select); coding-DNA position 431, one base deleted (C; older notation c.431delC).
Protein change: p.Thr144fs; shifts the reading frame from threonine 144.
Molecular consequence: frameshift variant.
Genome position (GRCh38, 1-based): chr3:167,687,658, G deleted on the plus strand (C on the coding strand, the reverse complement: PDCD10 is on the minus strand). VCF-style (leftmost placement, unchanged base first): chr3-167687657-TG-T. GRCh37 (hg19) VCF-style: chr3-167405445-TG-T.
Other names: c.431del, p.Thr144fs (NM_145859.2, NM_145860.2, NM_001439202.1 and 2 more transcripts); short protein forms T144fs.
Identifiers: ClinVar variation 4761602 (VCV004761602.1).